The following is an entry in ClinVar:

NM_024529.5(CDC73):c.986C>T (p.Ala329Val)

Gene: CDC73 (cell division cycle 73; plus strand). Cytogenetic location: 1q31.2.
Variant type: single nucleotide variant.
Coding change: c.986C>T on transcript NM_024529.5 (MANE Select); coding-DNA position 986, C replaced by T.
Protein change: p.Ala329Val; replaces alanine 329 with valine.
Molecular consequence: missense variant.
Genome position (GRCh38, 1-based): chr1:193,203,808, C>T. VCF-style: chr1-193203808-C-T. GRCh37 (hg19) VCF-style: chr1-193172938-C-T.
Other names: short protein forms A329V.
Identifiers: ClinVar variation 4223488 (VCV004223488.1).

ClinVar aggregate classification (germline): Uncertain significance (1 of 4 stars; one submission).

Conditions:
Hereditary cancer-predisposing syndrome. Also called: Hereditary Cancer Syndrome; Hereditary neoplastic syndrome; Neoplastic Syndromes, Hereditary; Tumor predisposition. Identifiers: Orphanet 140162, MedGen C0027672, MeSH D009386, MONDO:0015356.

Submission:

Ambry Genetics
Classification: Uncertain significance for Hereditary cancer-predisposing syndrome. Last evaluated: 2025-08-30. Review status: criteria provided, single submitter. Criteria: Ambry Variant Classification Scheme 2023. Collection method: clinical testing. Allele origin: germline.
Comment: The p.A329V variant (also known as c.986C>T), located in coding exon 11 of the CDC73 gene, results from a C to T substitution at nucleotide position 986. The alanine at codon 329 is replaced by valine, an amino acid with similar properties. This amino acid position is conserved. In addition, the in silico prediction for this alteration is inconclusive. Based on the available evidence, the clinical significance of this variant remains unclear.